The following is an entry in ClinVar:

ClinVar aggregate classification (germline): Uncertain significance (1 of 4 stars; one submission).

Submission:

Labcorp Genetics (formerly Invitae), Labcorp
Classification: Uncertain significance. Last evaluated: 2022-04-18. Review status: criteria provided, single submitter. Criteria: Invitae Variant Classification Sherloc (09022015). Collection method: clinical testing. Allele origin: germline.
Comment: In summary, the available evidence is currently insufficient to determine the role of this variant in disease. Therefore, it has been classified as a Variant of Uncertain Significance. Variants that disrupt the consensus splice site are a relatively common cause of aberrant splicing (PMID: 17576681, 9536098). Algorithms developed to predict the effect of sequence changes on RNA splicing suggest that this variant is not likely to affect RNA splicing. This variant has not been reported in the literature in individuals affected with MYH3-related conditions. This variant is not present in population databases (gnomAD no frequency). This sequence change falls in intron 37 of the MYH3 gene. It does not directly change the encoded amino acid sequence of the MYH3 protein. It affects a nucleotide within the consensus splice site.

Literature cited by the submitters: PubMed 17576681; PubMed 9536098.

NM_002470.4(MYH3):c.5458-3del

Gene: MYH3 (myosin heavy chain 3; minus strand). Cytogenetic location: 17p13.1.
Variant type: Deletion.
Coding change: c.5458-3del on transcript NM_002470.4 (MANE Select); 3 bases into the intron before coding-DNA position 5458, one base deleted (C; older notation c.5458-3delC).
Molecular consequence: intron variant.
Genome position (GRCh38, 1-based): chr17:10,630,199, G deleted on the plus strand (C on the coding strand, the reverse complement: MYH3 is on the minus strand); the first of 5 consecutive G bases (chr17:10,630,199-10,630,203); deleting any one gives the same sequence. VCF-style (leftmost placement, unchanged base first): chr17-10630198-TG-T. GRCh37 (hg19) VCF-style: chr17-10533515-TG-T.
Identifiers: ClinVar variation 2127498 (VCV002127498.4), dbSNP rs2508561785, ClinGen allele CA2580092505.